The following is an entry in ClinVar:

ClinVar aggregate classification (germline): Uncertain significance. Review status: criteria provided, multiple submitters, no conflicts (2 of 4 stars). 2 submissions from 2 submitters: Uncertain significance (2). Last evaluated 2025-03-01.

Conditions:
Dyskeratosis congenita, autosomal recessive 5 (DKCB5). Identifiers: MedGen C3554656, MONDO:0014076, OMIM 615190.
Pulmonary fibrosis and/or bone marrow failure, Telomere-related, 3. Also called: PULMONARY FIBROSIS AND/OR BONE MARROW FAILURE SYNDROME, TELOMERE-RELATED, 3. Identifiers: Orphanet 2032, MedGen C4225346, MONDO:0014613, OMIM 616373.
Inborn genetic diseases. Identifiers: MedGen C0950123, MeSH D030342.

Submissions (2):

Ambry Genetics
Classification: Uncertain significance for Inborn genetic diseases. Last evaluated: 2025-03-01. Review status: criteria provided, single submitter. Criteria: Ambry Variant Classification Scheme 2023. Collection method: clinical testing. Allele origin: germline.

Labcorp Genetics (formerly Invitae), Labcorp
Classification: Uncertain significance for Dyskeratosis congenita, autosomal recessive 5; Pulmonary fibrosis and/or bone marrow failure, Telomere-related, 3. Last evaluated: 2022-03-13. Review status: criteria provided, single submitter. Criteria: Invitae Variant Classification Sherloc (09022015). Collection method: clinical testing. Allele origin: germline.
Comment: This sequence change replaces serine, which is neutral and polar, with phenylalanine, which is neutral and non-polar, at codon 857 of the RTEL1 protein (p.Ser857Phe). This variant is not present in population databases (gnomAD no frequency). This variant has not been reported in the literature in individuals affected with RTEL1-related conditions. Algorithms developed to predict the effect of missense changes on protein structure and function are either unavailable or do not agree on the potential impact of this missense change (SIFT: "Deleterious"; PolyPhen-2: "Probably Damaging"; Align-GVGD: "Class C0"). In summary, the available evidence is currently insufficient to determine the role of this variant in disease. Therefore, it has been classified as a Variant of Uncertain Significance.

NM_001283009.2(RTEL1):c.2570C>T (p.Ser857Phe)

Genes: RTEL1 (regulator of telomere elongation helicase 1; plus strand), RTEL1-TNFRSF6B (RTEL1-TNFRSF6B readthrough (NMD candidate); plus strand). Cytogenetic location: 20q13.33.
Variant type: single nucleotide variant.
Coding change: c.2570C>T on transcript NM_001283009.2 (MANE Select); coding-DNA position 2570, C replaced by T.
Protein change: p.Ser857Phe; replaces serine 857 with phenylalanine.
Molecular consequence: missense variant. On other transcripts: non-coding transcript variant (1).
Genome position (GRCh38, 1-based): chr20:63,691,755, C>T. VCF-style: chr20-63691755-C-T. GRCh37 (hg19) VCF-style: chr20-62323108-C-T.
Other names: c.1901C>T, p.Ser634Phe (NM_001283010.1); c.2570C>T, p.Ser857Phe (NM_016434.4); c.2642C>T, p.Ser881Phe (NM_032957.5); c.2642C>T (NM_032957.4); short protein forms S634F, S857F, S881F.
Identifiers: ClinVar variation 2421088 (VCV002421088.8), dbSNP rs2090750813, ClinGen allele CA409682250.